The following is an entry in ClinVar:

ClinVar aggregate classification (germline): Uncertain significance. Review status: criteria provided, multiple submitters, no conflicts (2 of 4 stars). 2 submissions from 2 submitters: Uncertain significance (2). Last evaluated 2022-10-05.

Conditions:
Tuberous sclerosis 2 (TSC2). Identifiers: Orphanet 805, MedGen C1860707, MONDO:0013199, OMIM 613254.

gnomAD v4.1: 1 of 1,613,016 alleles (0.000062%); highest among the groups gnomAD compares: South Asian, 0.0011%; no homozygotes.

Submissions (2):

Labcorp Genetics (formerly Invitae), Labcorp
Classification: Uncertain significance for Tuberous sclerosis 2. Last evaluated: 2022-10-05. Review status: criteria provided, single submitter. Criteria: Invitae Variant Classification Sherloc (09022015). Collection method: clinical testing. Allele origin: germline.
Comment: This variant has not been reported in the literature in individuals affected with TSC2-related conditions. This variant is not present in population databases (gnomAD no frequency). This sequence change replaces valine, which is neutral and non-polar, with leucine, which is neutral and non-polar, at codon 1069 of the TSC2 protein (p.Val1069Leu). ClinVar contains an entry for this variant (Variation ID: 1319398). In summary, the available evidence is currently insufficient to determine the role of this variant in disease. Therefore, it has been classified as a Variant of Uncertain Significance. Advanced modeling of protein sequence and biophysical properties (such as structural, functional, and spatial information, amino acid conservation, physicochemical variation, residue mobility, and thermodynamic stability) performed at Invitae indicates that this missense variant is not expected to disrupt TSC2 protein function.

Institute for Clinical Genetics, University Hospital TU Dresden, University Hospital TU Dresden
Classification: Uncertain significance. Last evaluated: 2021-11-03. Review status: criteria provided, single submitter. Criteria: ACMG Guidelines, 2015. Collection method: clinical testing. Allele origin: germline.

NM_000548.5(TSC2):c.3205G>C (p.Val1069Leu)

Gene: TSC2 (TSC complex subunit 2; plus strand). Cytogenetic location: 16p13.3.
Variant type: single nucleotide variant.
Coding change: c.3205G>C on transcript NM_000548.5 (MANE Select); coding-DNA position 3205, G replaced by C.
Protein change: p.Val1069Leu; replaces valine 1069 with leucine.
Molecular consequence: missense variant.
Genome position (GRCh38, 1-based): chr16:2,079,349, G>C. VCF-style: chr16-2079349-G-C. GRCh37 (hg19) VCF-style: chr16-2129350-G-C.
Other names: c.3073G>C, p.Val1025Leu (NM_001077183.3, NM_001370404.1); c.3205G>C, p.Val1069Leu (NM_001114382.3); c.2965G>C, p.Val989Leu (NM_001318827.2); c.2929G>C, p.Val977Leu (NM_001318829.2); c.2473G>C, p.Val825Leu (NM_001318831.2); c.3106G>C, p.Val1036Leu (NM_001318832.2); c.3076G>C, p.Val1026Leu (NM_001363528.2, NM_001370405.1, NM_021055.3); short protein forms V1025L, V1026L, V1036L, V1069L, V825L, V977L, V989L.
Identifiers: ClinVar variation 1319398 (VCV001319398.10), dbSNP rs2151438862, ClinGen allele CA394285781.